The following is an entry in ClinVar:

ClinVar aggregate classification (germline): Pathogenic. Review status: criteria provided, multiple submitters, no conflicts (2 of 4 stars). 5 submissions from 5 submitters: Pathogenic (5). Last evaluated 2026-02-25.

Conditions:
Late-infantile neuronal ceroid lipofuscinosis. Also called: Jansky-Bielschowsky disease. Identifiers: MedGen C0022340, MONDO:0015674.
Neuronal ceroid lipofuscinosis 7 (CLN7). Also called: MFSD8-Related Neuronal Ceroid-Lipofuscinosis. Identifiers: Orphanet 168491, Orphanet 228366, MedGen C1838571, MONDO:0012588, OMIM 610951.

Allele frequency attached by ClinVar (database versions not stated): TOPMed 0.00001; gnomAD exomes below 0.00001.
gnomAD v4.1: 3 of 1,603,956 alleles (0.00019%); highest among the groups gnomAD compares: African/African-American, 0.0013%; no homozygotes.

Submissions (5):

Dasa
Classification: Pathogenic. Last evaluated: 2026-02-25. Review status: criteria provided, single submitter. Criteria: DASA Assertion Criteria. Collection method: clinical testing. Allele origin: germline.
Comment: NM_001371596.2(MFSD8):c.63-1G>A alters a canonical splice acceptor site and is predicted to disrupt normal splicing. Loss-of-function is an established mechanism of disease for this gene. The variant has been reported in individuals with neuronal ceroid lipofuscinosis in trans with other pathogenic variants (PMID: 34849271). It is present at low frequency in population datasets. Based on the available data, this variant is classified as pathogenic.

Labcorp Genetics (formerly Invitae), Labcorp
Classification: Pathogenic for Neuronal ceroid lipofuscinosis 7. Last evaluated: 2025-11-25. Review status: criteria provided, single submitter. Criteria: Invitae Variant Classification Sherloc (09022015). Collection method: clinical testing. Allele origin: germline.
Comment: This sequence change affects an acceptor splice site in intron 2 of the MFSD8 gene. It is expected to disrupt RNA splicing. Variants that disrupt the donor or acceptor splice site typically lead to a loss of protein function (PMID: 16199547), and loss-of-function variants in MFSD8 are known to be pathogenic (PMID: 19177532, 25227500, 28586915). This variant is not present in population databases (gnomAD no frequency). Disruption of this splice site has been observed in individuals with neuronal ceroid lipofuscinosis (PMID: 31489614, 31618753). ClinVar contains an entry for this variant (Variation ID: 802090). Algorithms developed to predict the effect of sequence changes on RNA splicing suggest that this variant may disrupt the consensus splice site. For these reasons, this variant has been classified as Pathogenic.

Natera, Inc.
Classification: Pathogenic for Late-infantile neuronal ceroid lipofuscinosis. Last evaluated: 2025-11-10. Review status: criteria provided, single submitter. Criteria: Natera Variant Classification Schema (03/2026). Collection method: clinical testing. Allele origin: germline.
Comment: The c.63-1G>A variant in MFSD8 is a canonical splice acceptor site variant predicted to affect pre-mRNA splicing, which may result in an abnormal transcript and altered protein product. This variant is expected to result in nonsense mediated decay, truncation, or a dysfunctional protein product. This variant is rare in the general population with a frequency below the threshold expected for the associated phenotype(s). This variant has been observed in one or more individuals affected with the associated recessive disease, as either homozygous or compound heterozygous with a second variant (PMID: 34849271). Given the available evidence, this variant is classified as Pathogenic.

GeneDx
Classification: Pathogenic. Last evaluated: 2022-10-21. Review status: criteria provided, single submitter. Criteria: GeneDx Variant Classification Process June 2021. Collection method: clinical testing. Allele origin: germline. Affected: yes.
Comment: Canonical splice site variant in a gene for which loss-of-function is a known mechanism of disease; Not observed in large population cohorts (gnomAD); This variant is associated with the following publications: (PMID: 34849271, 31489614)

Mendelics
Classification: Pathogenic for Neuronal ceroid lipofuscinosis 7. Last evaluated: 2019-05-28. Review status: criteria provided, single submitter. Criteria: Mendelics Assertion Criteria 2017. Collection method: clinical testing. Allele origin: unknown.

Literature cited by the submitters: PubMed 34849271 (cited by Dasa and Natera, Inc.); PubMed 16199547 (cited by Labcorp Genetics (formerly Invitae), Labcorp); PubMed 19177532 (cited by Labcorp Genetics (formerly Invitae), Labcorp); PubMed 25227500 (cited by Labcorp Genetics (formerly Invitae), Labcorp); PubMed 28586915 (cited by Labcorp Genetics (formerly Invitae), Labcorp); PubMed 31489614 (cited by Labcorp Genetics (formerly Invitae), Labcorp); PubMed 31618753 (cited by Labcorp Genetics (formerly Invitae), Labcorp).

NM_001371596.2(MFSD8):c.63-1G>A

Gene: MFSD8 (major facilitator superfamily domain containing 8; minus strand). Cytogenetic location: 4q28.2.
Variant type: single nucleotide variant.
Coding change: c.63-1G>A on transcript NM_001371596.2 (MANE Select); the canonical splice acceptor site of the intron before coding-DNA position 63, G replaced by A.
Molecular consequence: splice acceptor variant. On other transcripts: intron variant (1).
Genome position (GRCh38, 1-based): chr4:127,957,593, C>T on the plus strand (G>A on the coding strand, the complement: MFSD8 is on the minus strand). VCF-style: chr4-127957593-C-T. GRCh37 (hg19) VCF-style: chr4-128878748-C-T.
Other names: c.-71-3G>A (NM_001371595.1); c.-73-1G>A (NM_001410765.1, NM_001371590.2); c.63-1G>A (NM_152778.4, NM_001363521.3, NM_001410766.1 and 6 more transcripts).
Identifiers: ClinVar variation 802090 (VCV000802090.18), dbSNP rs1314967038, ClinGen allele CA358165339.